The following is an entry in ClinVar:

NM_002838.5(PTPRC):c.3914G>A (p.Gly1305Asp)

Gene: PTPRC (protein tyrosine phosphatase receptor type C; plus strand). Cytogenetic location: 1q32.1.
Variant type: single nucleotide variant.
Coding change: c.3914G>A on transcript NM_002838.5 (MANE Select); coding-DNA position 3914, G replaced by A.
Protein change: p.Gly1305Asp; replaces glycine 1305 with aspartic acid.
Molecular consequence: missense variant.
Genome position (GRCh38, 1-based): chr1:198,756,174, G>A. VCF-style: chr1-198756174-G-A. GRCh37 (hg19) VCF-style: chr1-198725303-G-A.
Other names: c.3431G>A, p.Gly1144Asp (NM_080921.4); short protein forms G1144D, G1305D.
Identifiers: ClinVar variation 959046 (VCV000959046.7), dbSNP rs148331492, ClinGen allele CA1315582.

ClinVar aggregate classification (germline): Uncertain significance (1 of 4 stars; one submission).

Conditions:
Immunodeficiency 104. Also called: Severe Combined Immune Deficiency, Autosomal Recessive, TCell -Negative, B Cell-Positive, NK Cell-Positive, IL7R-Related; SCID, AUTOSOMAL RECESSIVE, T CELL-NEGATIVE, B CELL-POSITIVE, NK CELL-POSITIVE; IMMUNODEFICIENCY 104, SEVERE COMBINED; Severe combined immunodeficiency, autosomal recessive, T cell-negative, B cell-positive, NK cell-positive. Identifiers: MedGen C5676890, MONDO:0012163, OMIM 608971.

gnomAD v4.1: 3 of 1,613,066 alleles (0.00019%); highest among the groups gnomAD compares: Non-Finnish European, 0.00025%; no homozygotes.

Submission:

Labcorp Genetics (formerly Invitae), Labcorp
Classification: Uncertain significance for Immunodeficiency 104. Last evaluated: 2022-07-30. Review status: criteria provided, single submitter. Criteria: Invitae Variant Classification Sherloc (09022015). Collection method: clinical testing. Allele origin: germline.
Comment: This sequence change replaces glycine, which is neutral and non-polar, with aspartic acid, which is acidic and polar, at codon 1305 of the PTPRC protein (p.Gly1305Asp). This variant is present in population databases (rs148331492, gnomAD 0.0009%). This variant has not been reported in the literature in individuals affected with PTPRC-related conditions. ClinVar contains an entry for this variant (Variation ID: 959046). Algorithms developed to predict the effect of missense changes on protein structure and function (SIFT, PolyPhen-2, Align-GVGD) all suggest that this variant is likely to be tolerated. In summary, the available evidence is currently insufficient to determine the role of this variant in disease. Therefore, it has been classified as a Variant of Uncertain Significance.